The following is an entry in ClinVar:

NM_001372.4(DNAH9):c.6845C>G (p.Ala2282Gly)

Gene: DNAH9 (dynein axonemal heavy chain 9; plus strand). Cytogenetic location: 17p12.
Variant type: single nucleotide variant.
Coding change: c.6845C>G on transcript NM_001372.4 (MANE Select); coding-DNA position 6845, C replaced by G.
Protein change: p.Ala2282Gly; replaces alanine 2282 with glycine.
Molecular consequence: missense variant.
Genome position (GRCh38, 1-based): chr17:11,756,674, C>G. VCF-style: chr17-11756674-C-G. GRCh37 (hg19) VCF-style: chr17-11659991-C-G.
Other names: short protein forms A2282G.
Identifiers: ClinVar variation 2184971 (VCV002184971.4), dbSNP rs376540838, ClinGen allele CA8396428.

ClinVar aggregate classification (germline): Uncertain significance (1 of 4 stars; one submission).

Allele frequency attached by ClinVar (database versions not stated): gnomAD exomes below 0.00001; ExAC 0.00001; gnomAD 0.00003; TOPMed 0.00004; ESP Exome Variant Server 0.00015.
gnomAD v4.1: 10 of 1,592,894 alleles (0.00063%); highest among the groups gnomAD compares: African/African-American, 0.012%; no homozygotes.

Submission:

Labcorp Genetics (formerly Invitae), Labcorp
Classification: Uncertain significance. Last evaluated: 2024-12-16. Review status: criteria provided, single submitter. Criteria: Invitae Variant Classification Sherloc (09022015). Collection method: clinical testing. Allele origin: germline.
Comment: This sequence change replaces alanine, which is neutral and non-polar, with glycine, which is neutral and non-polar, at codon 2282 of the DNAH9 protein (p.Ala2282Gly). This variant is present in population databases (rs376540838, gnomAD 0.03%). This variant has not been reported in the literature in individuals affected with DNAH9-related conditions. ClinVar contains an entry for this variant (Variation ID: 2184971). An algorithm developed to predict the effect of missense changes on protein structure and function (PolyPhen-2) suggests that this variant is likely to be disruptive. In summary, the available evidence is currently insufficient to determine the role of this variant in disease. Therefore, it has been classified as a Variant of Uncertain Significance.